The following is an entry in ClinVar:

ClinVar aggregate classification (germline): Likely benign (0 of 4 stars; one submission).

Conditions:
PPRC1-related disorder. Also called: PPRC1-related condition.

Allele frequency attached by ClinVar (database versions not stated): gnomAD 0.00002; TOPMed 0.00003; ExAC 0.00005; ESP Exome Variant Server 0.00008; gnomAD exomes 0.00008.
gnomAD v4.1: 110 of 1,614,066 alleles (0.0068%); highest among the groups gnomAD compares: Non-Finnish European, 0.0093%; no homozygotes.

Submission:

PreventionGenetics, part of Exact Sciences
Classification: Likely benign for PPRC1-related condition. Last evaluated: 2019-03-14. Review status: no assertion criteria provided. Collection method: clinical testing. Allele origin: germline.
Comment: This variant is classified as likely benign based on ACMG/AMP sequence variant interpretation guidelines (Richards et al. 2015 PMID: 25741868, with internal and published modifications).

NM_015062.5(PPRC1):c.1257G>A (p.Glu419=)

Gene: PPRC1 (PPARG related coactivator 1; plus strand). Cytogenetic location: 10q24.32.
Variant type: single nucleotide variant.
Coding change: c.1257G>A on transcript NM_015062.5 (MANE Select); coding-DNA position 1257, G replaced by A.
Protein change: p.Glu419=; no amino-acid change (glutamic acid 419 retained).
Molecular consequence: synonymous variant.
Genome position (GRCh38, 1-based): chr10:102,139,765, G>A. VCF-style: chr10-102139765-G-A. GRCh37 (hg19) VCF-style: chr10-103899522-G-A.
Other names: c.1257G>A, p.Glu419= (NM_001288727.2); c.897G>A, p.Glu299= (NM_001288728.2).
Identifiers: ClinVar variation 3057402 (VCV003057402.2), dbSNP rs143219353, ClinGen allele CA5660816.